The following is an entry in ClinVar:

NM_001048174.2(MUTYH):c.1246C>T (p.His416Tyr)

Gene: MUTYH (mutY DNA glycosylase; minus strand). Cytogenetic location: 1p34.1.
Variant type: single nucleotide variant.
Coding change: c.1246C>T on transcript NM_001048174.2 (MANE Select); coding-DNA position 1246, C replaced by T.
Protein change: p.His416Tyr; replaces histidine 416 with tyrosine.
Molecular consequence: missense variant. On other transcripts: non-coding transcript variant (2).
Genome position (GRCh38, 1-based): chr1:45,331,328, G>A on the plus strand (C>T on the coding strand, the complement: MUTYH is on the minus strand). VCF-style: chr1-45331328-G-A. GRCh37 (hg19) VCF-style: chr1-45797000-G-A.
Other names: c.1246C>T, p.His416Tyr (NM_001048171.2, NM_001048173.2, NM_001293195.2); c.1249C>T, p.His417Tyr (NM_001048172.2); c.1330C>T, p.His444Tyr (NM_001128425.2); c.1291C>T, p.His431Tyr (NM_001293190.2); c.1279C>T, p.His427Tyr (NM_001293191.2); c.970C>T, p.His324Tyr (NM_001293192.2, NM_001293196.2); c.901C>T, p.His301Tyr (NM_001350650.2, NM_001350651.2); c.1321C>T, p.His441Tyr (NM_012222.3); and 1 more; short protein forms H427Y, H301Y, H444Y, H324Y, H417Y, H441Y, H416Y, H431Y.
Identifiers: ClinVar variation 1521745 (VCV001521745.10), dbSNP rs1475410456, ClinGen allele CA340132796.

ClinVar aggregate classification (germline): Conflicting classifications of pathogenicity. Review status: criteria provided, conflicting classifications (1 of 4 stars). 2 submissions from 2 submitters: Likely pathogenic (1); Uncertain significance (1). Last evaluated 2025-08-15.

Conditions:
Hereditary cancer-predisposing syndrome. Also called: Neoplastic Syndromes, Hereditary; Hereditary Cancer Syndrome; Hereditary neoplastic syndrome; Tumor predisposition. Identifiers: Orphanet 140162, MedGen C0027672, MeSH D009386, MONDO:0015356.
Familial adenomatous polyposis 2. Also called: MUTYH-associated polyposis; MUTYH-related attenuated familial adenomatous polyposis; COLORECTAL ADENOMATOUS POLYPOSIS, AUTOSOMAL RECESSIVE; ADENOMAS, MULTIPLE COLORECTAL, AUTOSOMAL RECESSIVE; FAP type 2; MUTYH Polyposis. Identifiers: Orphanet 220460, Orphanet 247798, MedGen C3272841, MONDO:0012041, OMIM 608456.

Allele frequency attached by ClinVar (database versions not stated): gnomAD exomes below 0.00001; gnomAD 0.00001.
gnomAD v4.1: 3 of 1,614,064 alleles (0.00019%); highest among the groups gnomAD compares: Non-Finnish European, 0.00025%; no homozygotes.

Submissions (2):

Ambry Genetics
Classification: Likely pathogenic for Hereditary cancer-predisposing syndrome. Last evaluated: 2025-08-15. Review status: criteria provided, single submitter. Criteria: Ambry Variant Classification Scheme 2023. Collection method: clinical testing. Allele origin: germline.
Comment: The p.H444Y variant (also known as c.1330C>T), located in coding exon 14 of the MUTYH gene, results from a C to T substitution at nucleotide position 1330. The histidine at codon 444 is replaced by tyrosine, an amino acid with similar properties. In a massively parallel cell-based functional assay testing 7,8-dihydro-8-oxoguanine:adenine (8OG:A) repair activity, a byproduct of oxidative damage, this variant was reported to have intermediate function (Hemker SL et al. Am J Hum Genet. Published online July 29, 2025. DOI: 10.1016/j.ajhg.2025.07.005). This amino acid position is highly conserved in available vertebrate species. In addition, this alteration is predicted to be deleterious by in silico analysis. This variant is considered to be rare based on population cohorts in the Genome Aggregation Database (gnomAD). Based on the majority of available evidence to date, this variant is likely to be pathogenic.

Labcorp Genetics (formerly Invitae), Labcorp
Classification: Uncertain significance for Familial adenomatous polyposis 2. Last evaluated: 2021-02-05. Review status: criteria provided, single submitter. Criteria: Invitae Variant Classification Sherloc (09022015). Collection method: clinical testing. Allele origin: germline.
Comment: In summary, the available evidence is currently insufficient to determine the role of this variant in disease. Therefore, it has been classified as a Variant of Uncertain Significance. Algorithms developed to predict the effect of missense changes on protein structure and function (SIFT, PolyPhen-2, Align-GVGD) all suggest that this variant is likely to be disruptive, but these predictions have not been confirmed by published functional studies and their clinical significance is uncertain. This variant has not been reported in the literature in individuals with MUTYH-related conditions. This variant is not present in population databases (ExAC no frequency). This sequence change replaces histidine with tyrosine at codon 444 of the MUTYH protein (p.His444Tyr). The histidine residue is highly conserved and there is a moderate physicochemical difference between histidine and tyrosine.

Literature cited by the submitters: PubMed 40738107 (cited by Ambry Genetics).